The following is an entry in ClinVar:

NM_001110556.2(FLNA):c.1616G>C (p.Gly539Ala)

Gene: FLNA (filamin A; minus strand). Cytogenetic location: Xq28.
Variant type: single nucleotide variant.
Coding change: c.1616G>C on transcript NM_001110556.2 (MANE Select); coding-DNA position 1616, G replaced by C.
Protein change: p.Gly539Ala; replaces glycine 539 with alanine.
Molecular consequence: missense variant.
Genome position (GRCh38, 1-based): chrX:154,365,211, C>G on the plus strand (G>C on the coding strand, the complement: FLNA is on the minus strand). VCF-style: chrX-154365211-C-G. GRCh37 (hg19) VCF-style: chrX-153593579-C-G.
Other names: c.1616G>C, p.Gly539Ala (NM_001456.4); short protein forms G539A.
Identifiers: ClinVar variation 1051288 (VCV001051288.9), dbSNP rs863223618, ClinGen allele CA415243180.

ClinVar aggregate classification (germline): Uncertain significance (1 of 4 stars; one submission).

Conditions:
Heterotopia, periventricular, X-linked dominant (PVNH1). Also called: PERIVENTRICULAR NODULAR HETEROTOPIA 1; X-linked periventricular heterotopia; PERIVENTRICULAR NODULAR HETEROTOPIA 4; HETEROTOPIA, PERIVENTRICULAR, 1. Identifiers: Orphanet 2149, Orphanet 82004, MedGen C1848213, MONDO:0010233, OMIM 300049.
Melnick-Needles syndrome (MNS). Also called: MELNICK-NEEDLES OSTEODYSPLASTY; OSTEODYSPLASTY OF MELNICK AND NEEDLES; Melnick-Needles Syndrome (FLNA-MNS). Identifiers: Orphanet 2484, MedGen C0025237, MONDO:0010650, OMIM 309350.
Frontometaphyseal dysplasia (FMD1). Identifiers: Orphanet 1826, MedGen C0265293, MONDO:0015942.
Oto-palato-digital syndrome, type II (OPD2). Also called: OPD II SYNDROME; FACIOPALATOOSSEOUS SYNDROME; Otopalatodigital Syndrome Type 2 (FLNA-OPD2); Otopalatodigital Syndrome, Type II. Identifiers: Orphanet 669, Orphanet 90652, MedGen C1844696, MONDO:0010571, OMIM 304120.

Submission:

Labcorp Genetics (formerly Invitae), Labcorp
Classification: Uncertain significance for Oto-palato-digital syndrome, type II; Heterotopia, periventricular, X-linked dominant; Frontometaphyseal dysplasia; Melnick-Needles syndrome. Last evaluated: 2020-07-09. Review status: criteria provided, single submitter. Criteria: Invitae Variant Classification Sherloc (09022015). Collection method: clinical testing. Allele origin: germline.
Comment: This variant has not been reported in the literature in individuals with FLNA-related conditions. This variant is not present in population databases (ExAC no frequency). This sequence change replaces glycine with alanine at codon 539 of the FLNA protein (p.Gly539Ala). The glycine residue is moderately conserved and there is a small physicochemical difference between glycine and alanine. Algorithms developed to predict the effect of missense changes on protein structure and function (SIFT, PolyPhen-2, Align-GVGD) all suggest that this variant is likely to be tolerated, but these predictions have not been confirmed by published functional studies and their clinical significance is uncertain. In summary, the available evidence is currently insufficient to determine the role of this variant in disease. Therefore, it has been classified as a Variant of Uncertain Significance.